The following is an entry in ClinVar:

NM_004341.5(CAD):c.4728+1_4728+2dup

Gene: CAD (carbamoyl-phosphate synthetase 2, aspartate transcarbamylase, and dihydroorotase; plus strand). Cytogenetic location: 2p23.3.
Variant type: Duplication.
Coding change: c.4728+1_4728+2dup on transcript NM_004341.5 (MANE Select); the canonical splice donor site of the intron after coding-DNA position 4728, 2 bases duplicated (GT; older notation c.4728+1_4728+2dupGT).
Molecular consequence: splice donor variant.
Genome position (GRCh38, 1-based): chr2:27,237,883-27,237,884, GT duplicated. VCF-style (leftmost placement, unchanged base first): chr2-27237882-G-GGT. GRCh37 (hg19) VCF-style: chr2-27460750-G-GGT.
Other names: c.4539+1_4539+2dup (NM_001306079.2).
Identifiers: ClinVar variation 1995148 (VCV001995148.4), dbSNP rs2465347406, ClinGen allele CA2580066288.
Genomic context (GRCh38, chr2:27,237,882, plus strand): 5'-GCTTTACCTCAATGAGACCTTCTCTGAGCTGCGGCTGGACAGCGTGGTCCAGTGGATGGA[G>GGT]GTAGGGAGTGTGCATGTGGCAGGAGGCCACCACCCAGTGTCTCCTGGCTTGTGGGCCCCT-3'

ClinVar aggregate classification (germline): Uncertain significance (1 of 4 stars; one submission).

Submission:

Labcorp Genetics (formerly Invitae), Labcorp
Classification: Uncertain significance. Last evaluated: 2022-05-25. Review status: criteria provided, single submitter. Criteria: Invitae Variant Classification Sherloc (09022015). Collection method: clinical testing. Allele origin: germline.
Comment: This sequence change falls in intron 29 of the CAD gene. It does not directly change the encoded amino acid sequence of the CAD protein. It affects a nucleotide within the consensus splice site. This variant is not present in population databases (gnomAD no frequency). This variant has not been reported in the literature in individuals affected with CAD-related conditions. Variants that disrupt the consensus splice site are a relatively common cause of aberrant splicing (PMID: 17576681, 9536098). Algorithms developed to predict the effect of sequence changes on RNA splicing suggest that this variant may disrupt the consensus splice site. In summary, the available evidence is currently insufficient to determine the role of this variant in disease. Therefore, it has been classified as a Variant of Uncertain Significance.

Literature cited by the submitters: PubMed 17576681; PubMed 9536098.